The following is an entry in ClinVar:

ClinVar aggregate classification (germline): Uncertain significance (1 of 4 stars; one submission).

Conditions:
Inborn genetic diseases. Identifiers: MedGen C0950123, MeSH D030342.

Submission:

Ambry Genetics
Classification: Uncertain significance for Inborn genetic diseases. Last evaluated: 2026-08-16. Review status: criteria provided, single submitter. Criteria: Ambry Variant Classification Scheme 2023. Collection method: clinical testing. Allele origin: germline.
Comment: The p.A2T variant (also known as c.4G>A), located in coding exon 1 of the SAMD9 gene, results from a G to A substitution at nucleotide position 4. The alanine at codon 2 is replaced by threonine, an amino acid with similar properties. This amino acid position is conserved. In addition, this alteration is predicted to be tolerated by in silico analysis. Based on the available evidence, the clinical significance of this variant remains unclear.

NM_017654.4(SAMD9):c.4G>A (p.Ala2Thr)

Gene: SAMD9 (sterile alpha motif domain containing 9; minus strand). Cytogenetic location: 7q21.2.
Variant type: single nucleotide variant.
Coding change: c.4G>A on transcript NM_017654.4 (MANE Select); coding-DNA position 4, G replaced by A.
Protein change: p.Ala2Thr; replaces alanine 2 with threonine.
Molecular consequence: missense variant.
Genome position (GRCh38, 1-based): chr7:93,106,094, C>T on the plus strand (G>A on the coding strand, the complement: SAMD9 is on the minus strand). VCF-style: chr7-93106094-C-T. GRCh37 (hg19) VCF-style: chr7-92735407-C-T.
Other names: c.4G>A, p.Ala2Thr (NM_001193307.2); short protein forms A2T.
Identifiers: ClinVar variation 5028791 (VCV005028791.1).